The following is an entry in ClinVar:

NM_017886.4(ULK4):c.1808T>C (p.Leu603Ser)

Gene: ULK4 (unc-51 like kinase 4; minus strand). Cytogenetic location: 3p22.1.
Variant type: single nucleotide variant.
Coding change: c.1808T>C on transcript NM_017886.4 (MANE Select); coding-DNA position 1808, T replaced by C.
Protein change: p.Leu603Ser; replaces leucine 603 with serine.
Molecular consequence: missense variant. On other transcripts: non-coding transcript variant (1).
Genome position (GRCh38, 1-based): chr3:41,819,463, A>G on the plus strand (T>C on the coding strand, the complement: ULK4 is on the minus strand). VCF-style: chr3-41819463-A-G. GRCh37 (hg19) VCF-style: chr3-41860955-A-G.
Other names: c.1808T>C, p.Leu603Ser (NM_001322500.2); c.902T>C, p.Leu301Ser (NM_001322501.2); short protein forms L301S, L603S.
Identifiers: ClinVar variation 3038191 (VCV003038191.2), dbSNP rs17063572, ClinGen allele CA2332103.
Genomic context (GRCh38, chr3:41,819,463, plus strand): 5'-GGACAACAAAGGAGCCTTACCCCTTCCCGAAGGCACCTCATTAGCACTGTGTATGCAGCC[A>G]AGGGAACAGCCCAGCACTCTCTAGGGTTCTTTTTTTTTTCTTCCTAAAATGAAGTGGGAA-3'
Protein context (NP_060356.2, residues 593-613): KNPRECWAVP[Leu603Ser]AAYTVLMRCL

ClinVar aggregate classification (germline): Benign (0 of 4 stars; one submission).

Conditions:
ULK4-related disorder. Also called: ULK4-related condition.

Allele frequency attached by ClinVar (database versions not stated): gnomAD exomes 0.00875; ExAC 0.02252; gnomAD 0.07056; ESP Exome Variant Server 0.07255; 1000 Genomes Project 0.07887; 1000 Genomes Project 30x 0.08026; TOPMed 0.08053.
gnomAD v4.1: 24,161 of 1,613,760 alleles (1.5%); highest among the groups gnomAD compares: African/African-American, 24%; 2,366 homozygotes.

Submission:

PreventionGenetics, part of Exact Sciences
Classification: Benign for ULK4-related condition. Last evaluated: 2020-01-06. Review status: no assertion criteria provided. Collection method: clinical testing. Allele origin: germline.
Comment: This variant is classified as benign based on ACMG/AMP sequence variant interpretation guidelines (Richards et al. 2015 PMID: 25741868, with internal and published modifications).